The following is an entry in ClinVar:

ClinVar aggregate classification (germline): Conflicting classifications of pathogenicity. Review status: criteria provided, conflicting classifications (1 of 4 stars). 3 submissions from 3 submitters: Uncertain significance (2); Likely benign (1). Last evaluated 2026-04-29.

Conditions:
Cardiovascular phenotype. Identifiers: MedGen CN230736.
Cardiomyopathy (CMYO). Also called: Cardiomyopathies. Identifiers: Orphanet 167848, MedGen C0878544, MONDO:0004994, HP:0001638. Inheritance: Various modes of inheritance.
Hypertrophic cardiomyopathy. Also called: HYPERTROPHIC MYOCARDIOPATHY. Identifiers: Orphanet 217569, MedGen C0007194, MeSH D002312, MONDO:0005045, HP:0001639.

Allele frequency attached by ClinVar (database versions not stated): gnomAD 0.00001.
gnomAD v4.1: 2 of 1,602,852 alleles (0.00012%); highest among the groups gnomAD compares: Non-Finnish European, 0.000085%; no homozygotes.

Submissions (3):

Ambry Genetics
Classification: Likely benign for Cardiovascular phenotype. Last evaluated: 2026-04-29. Review status: criteria provided, single submitter. Criteria: Ambry Variant Classification Scheme 2023. Collection method: clinical testing. Allele origin: germline.

Color Diagnostics, LLC DBA Color Health
Classification: Uncertain significance for Cardiomyopathy. Last evaluated: 2021-03-09. Review status: criteria provided, single submitter. Criteria: ACMG Guidelines, 2015. Collection method: clinical testing. Allele origin: germline.
Comment: This missense variant replaces alanine with valine at codon 317 of the MYBPC3 protein. Computational prediction suggests that this variant may not impact protein structure and function (internally defined REVEL score threshold <= 0.5, PMID: 27666373). To our knowledge, functional studies have not been reported for this variant. This variant has not been reported in individuals affected with cardiovascular disorders in the literature. This variant has been identified in 1/31382 chromosomes in the general population by the Genome Aggregation Database (gnomAD). The available evidence is insufficient to determine the role of this variant in disease conclusively. Therefore, this variant is classified as a Variant of Uncertain Significance.

Labcorp Genetics (formerly Invitae), Labcorp
Classification: Uncertain significance for Hypertrophic cardiomyopathy. Last evaluated: 2017-11-16. Review status: criteria provided, single submitter. Criteria: Invitae Variant Classification Sherloc (09022015). Collection method: clinical testing. Allele origin: germline.
Comment: A computational algorithm designed to assess the pathogenicity of variants in MYBPC3 with regard to hypertrophic cardiomyopathy predicted this sequence change to be tolerated. The algorithm has a sensitivity of 94% and a specificity of 89% (PMID: 21310275). In summary, the available evidence is currently insufficient to determine the role of this variant in disease. Therefore, it has been classified as a Variant of Uncertain Significance. This variant has not been reported in the literature in individuals with MYBPC3-related disease. This variant is not present in population databases (ExAC no frequency). This sequence change replaces alanine with valine at codon 317 of the MYBPC3 protein (p.Ala317Val). The alanine residue is moderately conserved and there is a small physicochemical difference between alanine and valine.

Literature cited by the submitters: PubMed 21310275 (cited by Labcorp Genetics (formerly Invitae), Labcorp).

NM_000256.3(MYBPC3):c.950C>T (p.Ala317Val)

Gene: MYBPC3 (myosin binding protein C3; minus strand). Cytogenetic location: 11p11.2.
Variant type: single nucleotide variant.
Coding change: c.950C>T on transcript NM_000256.3 (MANE Select); coding-DNA position 950, C replaced by T.
Protein change: p.Ala317Val; replaces alanine 317 with valine.
Molecular consequence: missense variant.
Genome position (GRCh38, 1-based): chr11:47,346,347, G>A on the plus strand (C>T on the coding strand, the complement: MYBPC3 is on the minus strand). VCF-style: chr11-47346347-G-A. GRCh37 (hg19) VCF-style: chr11-47367898-G-A.
Other names: c.950C>T, p.Ala317Val (LRG_386t1); short protein forms A317V.
Identifiers: ClinVar variation 524990 (VCV000524990.11), dbSNP rs1281956829, ClinGen allele CA380332067.